The following is an entry in ClinVar:

NM_000182.5(HADHA):c.451G>T (p.Glu151Ter)

Gene: HADHA (hydroxyacyl-CoA dehydrogenase trifunctional multienzyme complex subunit alpha; minus strand). Cytogenetic location: 2p23.3.
Variant type: single nucleotide variant.
Coding change: c.451G>T on transcript NM_000182.5 (MANE Select); coding-DNA position 451, G replaced by T.
Protein change: p.Glu151Ter; replaces glutamic acid 151 with a stop codon.
Molecular consequence: nonsense.
Genome position (GRCh38, 1-based): chr2:26,234,219, C>A on the plus strand (G>T on the coding strand, the complement: HADHA is on the minus strand). VCF-style: chr2-26234219-C-A. GRCh37 (hg19) VCF-style: chr2-26457087-C-A.
Other names: short protein forms E151*.
Identifiers: ClinVar variation 983591 (VCV000983591.4), dbSNP rs1670693281, ClinGen allele CA346093369.

ClinVar aggregate classification (germline): Likely pathogenic (1 of 4 stars; one submission).

Conditions:
Long chain 3-hydroxyacyl-CoA dehydrogenase deficiency. Also called: LCHAD Deficiency; Deficiency of long-chain 3-hydroxyacyl-coenzyme A dehydrogenase. Identifiers: Orphanet 5, MedGen C3711645, MONDO:0012173, OMIM 609016.

Submission:

Myriad Genetics, Inc.
Classification: Likely pathogenic for Long chain 3-hydroxyacyl-CoA dehydrogenase deficiency. Last evaluated: 2019-07-23. Review status: criteria provided, single submitter. Criteria: Myriad Autosomal Dominant, Autosomal Recessive and X-Linked Classification Criteria (2023). Collection method: clinical testing. Allele origin: unknown.
Comment: NM_000182.4(HADHA):c.451G>T(E151*) is expected to be pathogenic in the context of HADHA-related disorders. This variant is predicted to lead to an abnormal or absent protein product due to the creation of a premature termination codon in HADHA, a gene where loss-of-function variants are known to be pathogenic. Please note: this variant was assessed in the context of healthy population screening.